The following is an entry in ClinVar:

ClinVar aggregate classification (germline): Likely pathogenic (1 of 4 stars; one submission).

Conditions:
Hereditary cancer-predisposing syndrome. Also called: Tumor predisposition; Neoplastic Syndromes, Hereditary; Hereditary Cancer Syndrome; Hereditary neoplastic syndrome. Identifiers: Orphanet 140162, MedGen C0027672, MeSH D009386, MONDO:0015356.

Submission:

Ambry Genetics
Classification: Likely pathogenic for Hereditary cancer-predisposing syndrome. Last evaluated: 2021-06-25. Review status: criteria provided, single submitter. Criteria: Ambry Variant Classification Scheme 2023. Collection method: clinical testing. Allele origin: germline.
Comment: The p.D1058Y variant (also known as c.3172G>T), located in coding exon 4 of the MSH6 gene, results from a G to T substitution at nucleotide position 3172. The amino acid change results in aspartic acid to tyrosine at codon 1058, an amino acid with highly dissimilar properties. However, this change occurs in the last base pair of coding exon 4, which makes it likely to have some effect on normal mRNA splicing. Another alteration at the same codon, p.D1058H (c.3172G>C), has been detected in individuals with Lynch syndrome cancers exhibiting loss of MSH6 protein on immunohistochemistry (Ambry internal data). This nucleotide position is highly conserved in available vertebrate species. This amino acid position is highly conserved in available vertebrate species. In silico splice site analysis predicts that this alteration may weaken the native splice donor site. In addition, as a missense substitution this is predicted to be deleterious by in silico analysis. Based on the majority of available evidence to date, this variant is likely to be pathogenic.

NM_000179.3(MSH6):c.3172G>T (p.Asp1058Tyr)

Gene: MSH6 (mutS homolog 6; plus strand). Cytogenetic location: 2p16.3.
Variant type: single nucleotide variant.
Coding change: c.3172G>T on transcript NM_000179.3 (MANE Select); coding-DNA position 3172, G replaced by T.
Protein change: p.Asp1058Tyr; replaces aspartic acid 1058 with tyrosine.
Molecular consequence: missense variant.
Genome position (GRCh38, 1-based): chr2:47,801,155, G>T. VCF-style: chr2-47801155-G-T. GRCh37 (hg19) VCF-style: chr2-48028294-G-T.
Other names: c.2782G>T, p.Asp928Tyr (NM_001281492.2); c.2266G>T, p.Asp756Tyr (NM_001281493.2, NM_001281494.2, NM_001406811.1 and 6 more transcripts); c.3268G>T, p.Asp1090Tyr (NM_001406795.1, NM_001406802.1); c.3172G>T, p.Asp1058Tyr (NM_001406796.1, NM_001406800.1, NM_001406808.1 and 1 more transcripts); c.2875G>T, p.Asp959Tyr (NM_001406797.1, NM_001406801.1, NM_001406805.1 and 10 more transcripts); c.3172G>T, p.Gly1058Cys (NM_001406798.1); c.2647G>T, p.Asp883Tyr (NM_001406799.1, NM_001406806.1, NM_001406807.1); c.3094G>T, p.Asp1032Tyr (NM_001406804.1); and 3 more; short protein forms D1058Y, D928Y, D1090Y, D373Y, D756Y, D1002Y, D1032Y, D883Y.
Identifiers: ClinVar variation 1728456 (VCV001728456.2), dbSNP rs863225404, ClinGen allele CA346756751.